The following is an entry in ClinVar:

ClinVar aggregate classification (germline): Benign/Likely benign. Review status: criteria provided, multiple submitters, no conflicts (2 of 4 stars). 4 submissions from 2 submitters: Benign (2); Likely benign (2). Last evaluated 2018-03-08.

Conditions:
Osteogenesis imperfecta (OI). Identifiers: Orphanet 666, MedGen C0029434, MeSH D010013, MONDO:0019019.
Ehlers-Danlos syndrome, arthrochalasia type. Also called: ARTHROCHALASIS MULTIPLEX CONGENITA; EDS VII, MUTANT PROCOLLAGEN TYPE; EDS VIIA; Ehlers-Danlos syndrome, arthrochalasia type, 1; Ehlers-Danlos syndrome, arthrochalasis type. Identifiers: Orphanet 1899, Orphanet 99875, Orphanet 99876, MedGen C4551623, MONDO:0007525, OMIM 130060.
Infantile cortical hyperostosis. Also called: Caffey Disease; Hyperostosis, Cortical, Congenital; P1PK BLOOD GROUP SYSTEM, P(2) PHENOTYPE. Identifiers: Orphanet 1310, MedGen C0020497, MONDO:0007244, OMIM 114000.

Allele frequency attached by ClinVar (database versions not stated): 1000 Genomes Project 0.00459.
gnomAD v4.1: 32,055 of 1,497,468 alleles (2.1%); highest among the groups gnomAD compares: Non-Finnish European, 2.5%; 455 homozygotes.

Submissions (4):

Illumina Laboratory Services, Illumina
Classification: Benign for Ehlers-Danlos syndrome, arthrochalasia type. Last evaluated: 2018-03-08. Review status: criteria provided, single submitter. Criteria: ICSL Variant Classification Criteria 13 December 2019. Collection method: clinical testing. Allele origin: germline.
Comment: This variant was observed as part of a predisposition screen in an ostensibly healthy population. A literature search was performed for the gene, cDNA change, and amino acid change (where applicable). No publications were found based on this search. Allele frequency data from public databases was too high to be consistent with this variant causing disease. Therefore, this variant is classified as benign.

Illumina Laboratory Services, Illumina
Classification: Likely benign for Infantile cortical hyperostosis. Last evaluated: 2018-03-08. Review status: criteria provided, single submitter. Criteria: ICSL Variant Classification Criteria 13 December 2019. Collection method: clinical testing. Allele origin: germline.
Comment: This variant was observed as part of a predisposition screen in an ostensibly healthy population. A literature search was performed for the gene, cDNA change, and amino acid change (where applicable). No publications were found based on this search. Allele frequency data from public databases allowed determination this variant is unlikely to cause disease. Therefore, this variant is classified as likely benign.

Illumina Laboratory Services, Illumina
Classification: Benign for Osteogenesis imperfecta. Last evaluated: 2018-03-08. Review status: criteria provided, single submitter. Criteria: ICSL Variant Classification Criteria 13 December 2019. Collection method: clinical testing. Allele origin: germline.
Comment: the same text as in the submission from Illumina Laboratory Services, Illumina above.

Breakthrough Genomics
Classification: Likely benign. Review status: criteria provided, single submitter. Criteria: ACMG Guidelines, 2015. Collection method: not provided. Allele origin: germline. Inheritance: Autosomal dominant inheritance. Affected: yes.

NM_000088.4(COL1A1):c.*88T>A

Gene: COL1A1 (collagen type I alpha 1 chain; minus strand). Cytogenetic location: 17q21.33.
Variant type: single nucleotide variant.
Coding change: c.*88T>A on transcript NM_000088.4 (MANE Select); 88 bases downstream of the stop codon, T replaced by A.
Molecular consequence: 3 prime UTR variant.
Genome position (GRCh38, 1-based): chr17:50,185,414, A>T on the plus strand (T>A on the coding strand, the complement: COL1A1 is on the minus strand). VCF-style: chr17-50185414-A-T. GRCh37 (hg19) VCF-style: chr17-48262775-A-T.
Identifiers: ClinVar variation 889273 (VCV000889273.5), dbSNP rs1061237, ClinGen allele CA291542744.